The following is an entry in ClinVar:

NM_017654.4(SAMD9):c.44C>G (p.Thr15Arg)

Gene: SAMD9 (sterile alpha motif domain containing 9; minus strand). Cytogenetic location: 7q21.2.
Variant type: single nucleotide variant.
Coding change: c.44C>G on transcript NM_017654.4 (MANE Select); coding-DNA position 44, C replaced by G.
Protein change: p.Thr15Arg; replaces threonine 15 with arginine.
Molecular consequence: missense variant.
Genome position (GRCh38, 1-based): chr7:93,106,054, G>C on the plus strand (C>G on the coding strand, the complement: SAMD9 is on the minus strand). VCF-style: chr7-93106054-G-C. GRCh37 (hg19) VCF-style: chr7-92735367-G-C.
Other names: c.44C>G, p.Thr15Arg (NM_001193307.2); short protein forms T15R.
Identifiers: ClinVar variation 3437045 (VCV003437045.1).

ClinVar aggregate classification (germline): Uncertain significance (1 of 4 stars; one submission).

Conditions:
Inborn genetic diseases. Identifiers: MedGen C0950123, MeSH D030342.

Submission:

Ambry Genetics
Classification: Uncertain significance for Inborn genetic diseases. Last evaluated: 2024-11-26. Review status: criteria provided, single submitter. Criteria: Ambry Variant Classification Scheme 2023. Collection method: clinical testing. Allele origin: germline.
Comment: The p.T15R variant (also known as c.44C>G), located in coding exon 1 of the SAMD9 gene, results from a C to G substitution at nucleotide position 44. The threonine at codon 15 is replaced by arginine, an amino acid with similar properties. This amino acid position is conserved. In addition, the in silico prediction for this alteration is inconclusive. Based on the available evidence, the clinical significance of this variant remains unclear.